The following is an entry in ClinVar:

NM_212482.4(FN1):c.644G>C (p.Cys215Ser)

Gene: FN1 (fibronectin 1; minus strand). Cytogenetic location: 2q35.
Variant type: single nucleotide variant.
Coding change: c.644G>C on transcript NM_212482.4 (MANE Select); coding-DNA position 644, G replaced by C.
Protein change: p.Cys215Ser; replaces cysteine 215 with serine.
Molecular consequence: missense variant.
Genome position (GRCh38, 1-based): chr2:215,430,756, C>G on the plus strand (G>C on the coding strand, the complement: FN1 is on the minus strand). VCF-style: chr2-215430756-C-G. GRCh37 (hg19) VCF-style: chr2-216295479-C-G.
Other names: c.644G>C, p.Cys215Ser (NM_001306129.2, NM_001306130.2, NM_001306131.2 and 14 more transcripts); short protein forms C215S.
Identifiers: ClinVar variation 4620153 (VCV004620153.2).

ClinVar aggregate classification (germline): Uncertain significance (1 of 4 stars; one submission).

Conditions:
Inborn genetic diseases. Identifiers: MedGen C0950123, MeSH D030342.

Submission:

Ambry Genetics
Classification: Uncertain significance for Inborn genetic diseases. Last evaluated: 2026-01-02. Review status: criteria provided, single submitter. Criteria: Ambry Variant Classification Scheme 2023. Collection method: clinical testing. Allele origin: germline.
Comment: The c.644G>C (p.C215S) alteration is located in exon 5 (coding exon 5) of the FN1 gene. This alteration results from a G to C substitution at nucleotide position 644, causing the cysteine (C) at amino acid position 215 to be replaced by a serine (S). This variant was not reported in population-based cohorts in the Genome Aggregation Database (gnomAD). This amino acid position is highly conserved in available vertebrate species. This alteration is predicted to be deleterious by in silico analysis. Based on insufficient or conflicting evidence, the clinical significance of this alteration remains unclear.